The following is an entry in ClinVar:

ClinVar aggregate classification (germline): Uncertain significance (1 of 4 stars; one submission).

Submission:

Labcorp Genetics (formerly Invitae), Labcorp
Classification: Uncertain significance. Last evaluated: 2023-08-04. Review status: criteria provided, single submitter. Criteria: Invitae Variant Classification Sherloc (09022015). Collection method: clinical testing. Allele origin: germline.
Comment: In summary, the available evidence is currently insufficient to determine the role of this variant in disease. Therefore, it has been classified as a Variant of Uncertain Significance. Experimental studies and prediction algorithms are not available or were not evaluated, and the functional significance of this variant is currently unknown. This variant has not been reported in the literature in individuals affected with DDX58-related conditions. This variant results in a copy number gain of the genomic region encompassing exon(s) 1-9 of the DDX58 gene. This region includes the initiator codon of the gene. This copy number gain extends beyond the assayed region for this gene and therefore may encompass additional genes. As the precise location of this event is unknown, it may be in tandem or it may be located elsewhere in the genome.

NC_000009.11:g.(?_32487449)_(32544344_?)dup

Genes: RIGI (RNA sensor RIG-I; minus strand), TOPORS (TOP1 binding arginine/serine rich protein, E3 ubiquitin ligase; minus strand). Cytogenetic location: 9p21.1.
Variant type: Duplication.
Identifiers: ClinVar variation 2425938 (VCV002425938.4).